The following is an entry in ClinVar:

NM_000532.5(PCCB):c.1498+1G>A

Gene: PCCB (propionyl-CoA carboxylase subunit beta; plus strand). Cytogenetic location: 3q22.3.
Variant type: single nucleotide variant.
Coding change: c.1498+1G>A on transcript NM_000532.5 (MANE Select); the canonical splice donor site of the intron after coding-DNA position 1498, G replaced by A.
Molecular consequence: splice donor variant.
Genome position (GRCh38, 1-based): chr3:136,328,858, G>A. VCF-style: chr3-136328858-G-A. GRCh37 (hg19) VCF-style: chr3-136047700-G-A.
Other names: c.1558+1G>A (NM_001178014.2).
Identifiers: ClinVar variation 5006548 (VCV005006548.2).
Genomic context (GRCh38, chr3:136,328,858, plus strand): 5'-AAGCTGCTCAGGCAGAGTACATCGAGAAGTTTGCCAACCCTTTCCCTGCAGCAGTGCGAG[G>A]TAGGGGACTGTGGTGAAGAGGGCAGCTTTGTTTGTTTGGTCAACTTGCTCATTCTTTCTC-3'

ClinVar aggregate classification (germline): Likely pathogenic (1 of 4 stars; one submission).

Conditions:
Propionic acidemia (PROP). Also called: GLYCINEMIA, KETOTIC; HYPERGLYCINEMIA WITH KETOACIDOSIS AND LEUKOPENIA; KETOTIC HYPERGLYCINEMIA. Identifiers: Orphanet 35, MedGen C0268579, MONDO:0011628, OMIM 606054, HP:0003571.

Submission:

Juno Genomics, Hangzhou Juno Genomics, Inc
Classification: Likely pathogenic for Propionic acidemia. Review status: criteria provided, single submitter. Criteria: ACMG Guidelines, 2015. Collection method: clinical testing. Allele origin: germline.
Comment: Absent from controls (or at extremely low frequency if recessive) in Genome Aggregation Database.;Null variant in a gene where loss of function (LOF) is a known mechanism of disease.;For recessive disorders, detected in trans with a pathogenic variant.;Patient's phenotype or family history is highly specific for a disease with a single genetic etiology.